The following is an entry in ClinVar:

ClinVar aggregate classification (germline): Uncertain significance (1 of 4 stars; one submission).

Conditions:
Pityriasis rubra pilaris (PRP). Also called: Pityriasis rubra pilaris--familial type. Identifiers: Orphanet 2897, MedGen C0032027, MONDO:0100017, OMIM 173200, MONDO:0008251.
Psoriasis 2. Identifiers: MedGen C1864497, MONDO:0011269, OMIM 602723.

gnomAD v4.1: 17 of 1,562,358 alleles (0.0011%); highest among the groups gnomAD compares: South Asian, 0.017%; 2 homozygotes.

Submission:

Labcorp Genetics (formerly Invitae), Labcorp
Classification: Uncertain significance for Pityriasis rubra pilaris; Psoriasis 2. Last evaluated: 2024-05-13. Review status: criteria provided, single submitter. Criteria: Invitae Variant Classification Sherloc (09022015). Collection method: clinical testing. Allele origin: germline.
Comment: This sequence change creates a premature translational stop signal (p.Gln136*) in the CARD14 gene. It is expected to result in an absent or disrupted protein product. However, the current clinical and genetic evidence is not sufficient to establish whether loss-of-function variants in CARD14 cause disease. The frequency data for this variant in the population databases is considered unreliable, as metrics indicate poor data quality at this position in the gnomAD database. This variant has not been reported in the literature in individuals affected with CARD14-related conditions. In summary, the available evidence is currently insufficient to determine the role of this variant in disease. Therefore, it has been classified as a Variant of Uncertain Significance.

NM_001366385.1(CARD14):c.406C>T (p.Gln136Ter)

Gene: CARD14 (caspase recruitment domain family member 14; plus strand). Cytogenetic location: 17q25.3.
Variant type: single nucleotide variant.
Coding change: c.406C>T on transcript NM_001366385.1 (MANE Select); coding-DNA position 406, C replaced by T.
Protein change: p.Gln136Ter; replaces glutamine 136 with a stop codon.
Molecular consequence: nonsense. On other transcripts: non-coding transcript variant (1).
Genome position (GRCh38, 1-based): chr17:80,183,969, C>T. VCF-style: chr17-80183969-C-T. GRCh37 (hg19) VCF-style: chr17-78157768-C-T.
Other names: c.406C>T, p.Gln136Ter (NM_001257970.1, NM_024110.4); short protein forms Q136*.
Identifiers: ClinVar variation 3751391 (VCV003751391.2).